The following is an entry in ClinVar:

ClinVar aggregate classification (germline): Pathogenic. Review status: criteria provided, multiple submitters, no conflicts (2 of 4 stars). 5 submissions from 5 submitters: Pathogenic (5). Last evaluated 2025-03-03.

Conditions:
Inherited breast cancer and ovarian cancer.
Hereditary cancer-predisposing syndrome. Also called: Tumor predisposition; Hereditary Cancer Syndrome; Hereditary neoplastic syndrome; Neoplastic Syndromes, Hereditary. Identifiers: Orphanet 140162, MedGen C0027672, MeSH D009386, MONDO:0015356.
Familial cancer of breast. Also called: hereditary breast carcinoma; BREAST CANCER, FAMILIAL; Hereditary breast cancer. Identifiers: Orphanet 227535, MedGen C0346153, MONDO:0016419, OMIM 114480. Disease mechanism: loss of function.

Allele frequency attached by ClinVar (database versions not stated): gnomAD exomes below 0.00001.

Submissions (5):

Cambridge Genomics Laboratory, East Genomic Laboratory Hub, NHS Genomic Medicine Service
Classification: Pathogenic for Inherited breast cancer and ovarian cancer. Last evaluated: 2025-03-03. Review status: criteria provided, single submitter. Criteria: ACGS Best Practice Guidelines for Variant Classification in Rare Disease 2020. Collection method: clinical testing. Allele origin: germline. Affected: yes.
Comment: PVS1,PS4_Moderate,PM2_Supporting,PM5_Supporting

Ambry Genetics
Classification: Pathogenic for Hereditary cancer-predisposing syndrome. Last evaluated: 2025-02-27. Review status: criteria provided, single submitter. Criteria: Ambry Variant Classification Scheme 2023. Collection method: clinical testing. Allele origin: germline.
Comment: The c.2160_2161insG pathogenic mutation, located in coding exon 5 of the PALB2 gene, results from an insertion of one nucleotide at position 2160, causing a translational frameshift with a predicted alternate stop codon. This variant is considered to be rare based on population cohorts in the Genome Aggregation Database (gnomAD). This alteration is expected to result in loss of function by premature protein truncation or nonsense-mediated mRNA decay. As such, this alteration is interpreted as a disease-causing mutation.

Molecular Pathology, Peter Maccallum Cancer Centre
Classification: Pathogenic for Familial cancer of breast. Last evaluated: 2024-03-14. Review status: criteria provided, single submitter. Criteria: ACMG Guidelines, 2015. Collection method: clinical testing. Allele origin: germline. Inheritance: Autosomal dominant inheritance.

Labcorp Genetics (formerly Invitae), Labcorp
Classification: Pathogenic for Familial cancer of breast. Last evaluated: 2024-01-08. Review status: criteria provided, single submitter. Criteria: Invitae Variant Classification Sherloc (09022015). Collection method: clinical testing. Allele origin: germline.
Comment: This sequence change creates a premature translational stop signal (p.Thr721Aspfs*24) in the PALB2 gene. It is expected to result in an absent or disrupted protein product. Loss-of-function variants in PALB2 are known to be pathogenic (PMID: 17200668, 17200671, 17200672, 24136930, 25099575). This variant is not present in population databases (gnomAD no frequency). This premature translational stop signal has been observed in individual(s) with breast cancer (PMID: 28779002). ClinVar contains an entry for this variant (Variation ID: 486012). For these reasons, this variant has been classified as Pathogenic.

Myriad Genetics, Inc.
Classification: Pathogenic for Familial cancer of breast. Last evaluated: 2023-09-12. Review status: criteria provided, single submitter. Criteria: Myriad Autosomal Dominant, Autosomal Recessive and X-Linked Classification Criteria (2023). Collection method: clinical testing. Allele origin: unknown.
Comment: This variant is considered pathogenic. This variant creates a frameshift predicted to result in premature protein truncation.

Literature cited by the submitters: PubMed 17200668 (cited by Labcorp Genetics (formerly Invitae), Labcorp); PubMed 17200671 (cited by Labcorp Genetics (formerly Invitae), Labcorp); PubMed 17200672 (cited by Labcorp Genetics (formerly Invitae), Labcorp); PubMed 24136930 (cited by Labcorp Genetics (formerly Invitae), Labcorp); PubMed 25099575 (cited by Labcorp Genetics (formerly Invitae), Labcorp); PubMed 28779002 (cited by Labcorp Genetics (formerly Invitae), Labcorp).

NM_024675.4(PALB2):c.2160_2161insG (p.Thr721fs)

Gene: PALB2 (partner and localizer of BRCA2; minus strand). Cytogenetic location: 16p12.2.
Variant type: Insertion.
Coding change: c.2160_2161insG on transcript NM_024675.4 (MANE Select); coding-DNA positions 2160 to 2161, G inserted.
Protein change: p.Thr721fs; shifts the reading frame from threonine 721.
Molecular consequence: frameshift variant.
Genome position: GRCh38 VCF-style: chr16-23629993-T-TC. GRCh37 (hg19) VCF-style: chr16-23641314-T-TC.
Other names: short protein forms T721fs.
Identifiers: ClinVar variation 486012 (VCV000486012.12), dbSNP rs1555460465, ClinGen allele CA658658409.